The following is an entry in ClinVar:

ClinVar aggregate classification (germline): Uncertain significance. Review status: criteria provided, multiple submitters, no conflicts (2 of 4 stars). 2 submissions from 2 submitters: Uncertain significance (2). Last evaluated 2024-03-27.

Conditions:
Gorlin syndrome. Also called: Basal cell nevus syndrome; Nevoid Basal Cell Carcinoma Syndrome. Identifiers: Orphanet 377, MedGen C0004779, MONDO:0007187.
Hereditary cancer-predisposing syndrome. Also called: Neoplastic Syndromes, Hereditary; Tumor predisposition; Hereditary Cancer Syndrome; Hereditary neoplastic syndrome. Identifiers: Orphanet 140162, MedGen C0027672, MeSH D009386, MONDO:0015356.

Submissions (2):

Ambry Genetics
Classification: Uncertain significance for Hereditary cancer-predisposing syndrome. Last evaluated: 2024-03-27. Review status: criteria provided, single submitter. Criteria: Ambry Variant Classification Scheme 2023. Collection method: clinical testing. Allele origin: germline.
Comment: The p.F826L variant (also known as c.2478C>G), located in coding exon 15 of the PTCH1 gene, results from a C to G substitution at nucleotide position 2478. The phenylalanine at codon 826 is replaced by leucine, an amino acid with highly similar properties. This amino acid position is highly conserved in available vertebrate species. In addition, this alteration is predicted to be deleterious by in silico analysis. Based on the available evidence, the clinical significance of this alteration remains unclear.

Labcorp Genetics (formerly Invitae), Labcorp
Classification: Uncertain significance for Gorlin syndrome. Last evaluated: 2022-09-04. Review status: criteria provided, single submitter. Criteria: Invitae Variant Classification Sherloc (09022015). Collection method: clinical testing. Allele origin: germline.
Comment: In summary, the available evidence is currently insufficient to determine the role of this variant in disease. Therefore, it has been classified as a Variant of Uncertain Significance. Algorithms developed to predict the effect of missense changes on protein structure and function are either unavailable or do not agree on the potential impact of this missense change (SIFT: "Tolerated"; PolyPhen-2: "Possibly Damaging"; Align-GVGD: "Class C0"). This variant has not been reported in the literature in individuals affected with PTCH1-related conditions. This variant is not present in population databases (gnomAD no frequency). This sequence change replaces phenylalanine, which is neutral and non-polar, with leucine, which is neutral and non-polar, at codon 826 of the PTCH1 protein (p.Phe826Leu).

NM_000264.5(PTCH1):c.2478C>G (p.Phe826Leu)

Genes: PTCH1 (patched 1; minus strand), LOC100507346 (uncharacterized LOC100507346; plus strand). Cytogenetic location: 9q22.32.
Variant type: single nucleotide variant.
Coding change: c.2478C>G on transcript NM_000264.5 (MANE Select); coding-DNA position 2478, C replaced by G.
Protein change: p.Phe826Leu; replaces phenylalanine 826 with leucine.
Molecular consequence: missense variant. On other transcripts: non-coding transcript variant (2).
Genome position (GRCh38, 1-based): chr9:95,467,198, G>C on the plus strand (C>G on the coding strand, the complement: PTCH1 is on the minus strand). VCF-style: chr9-95467198-G-C. GRCh37 (hg19) VCF-style: chr9-98229480-G-C.
Other names: c.2280C>G, p.Phe760Leu (NM_001083602.3); c.2475C>G, p.Phe825Leu (NM_001083603.3); c.2025C>G, p.Phe675Leu (NM_001083604.3, NM_001083605.3, NM_001083606.3 and 1 more transcripts); c.2322C>G, p.Phe774Leu (NM_001354918.2); short protein forms F825L, F826L, F675L, F760L, F774L.
Identifiers: ClinVar variation 2180926 (VCV002180926.5), dbSNP rs2117953988, ClinGen allele CA374114005.